The following is an entry in ClinVar:

NM_000891.3(KCNJ2):c.224C>G (p.Thr75Arg)

Gene: KCNJ2 (potassium inwardly rectifying channel subfamily J member 2; plus strand). Cytogenetic location: 17q24.3.
Variant type: single nucleotide variant.
Coding change: c.224C>G on transcript NM_000891.3 (MANE Select); coding-DNA position 224, C replaced by G.
Protein change: p.Thr75Arg; replaces threonine 75 with arginine.
Molecular consequence: missense variant.
Genome position (GRCh38, 1-based): chr17:70,175,263, C>G. VCF-style: chr17-70175263-C-G. GRCh37 (hg19) VCF-style: chr17-68171404-C-G.
Other names: c.224C>G (LRG_328t1); short protein forms T75R.
Identifiers: ClinVar variation 8928 (VCV000008928.7), dbSNP rs104894585, ClinGen allele CA254602.

ClinVar aggregate classification (germline): Pathogenic. Review status: criteria provided, single submitter (1 of 4 stars). 3 submissions from 3 submitters: Pathogenic (1). 2 of the submissions do not count toward it. Last evaluated 2025-02-27.

Conditions:
Familial long QT syndrome (RWS). Also called: Romano-Ward syndrome; VENTRICULAR FIBRILLATION WITH PROLONGED QT INTERVAL; Congenital long QT syndrome. Identifiers: Orphanet 768, MedGen C1141890, MONDO:0019171.
Andersen Tawil syndrome (LQT7). Also called: Potassium-sensitive periodic paralysis, ventricular ectopy, and dysmorphic features; Andersen Syndrome; ANDERSEN CARDIODYSRHYTHMIC PERIODIC PARALYSIS; PERIODIC PARALYSIS, POTASSIUM-SENSITIVE CARDIODYSRHYTHMIC TYPE; LONG QT SYNDROME 7. Identifiers: Orphanet 37553, MedGen C1563715, MONDO:0008222, OMIM 170390.
Short QT syndrome type 3. Identifiers: Orphanet 51083, MedGen C1865018, MONDO:0012314, OMIM 609622.

Submissions (3):

Labcorp Genetics (formerly Invitae), Labcorp
Classification: Pathogenic for Short QT syndrome type 3; Andersen Tawil syndrome. Last evaluated: 2025-02-27. Review status: criteria provided, single submitter. Criteria: Invitae Variant Classification Sherloc (09022015). Collection method: clinical testing. Allele origin: germline.
Comment: This sequence change replaces threonine, which is neutral and polar, with arginine, which is basic and polar, at codon 75 of the KCNJ2 protein (p.Thr75Arg). This variant is not present in population databases (gnomAD no frequency). This missense change has been observed in individual(s) with Andersen-Tawil syndrome (PMID: 12796536, 16571646). In at least one individual the variant was observed to be de novo. It has also been observed to segregate with disease in related individuals. ClinVar contains an entry for this variant (Variation ID: 8928). Invitae Evidence Modeling of protein sequence and biophysical properties (such as structural, functional, and spatial information, amino acid conservation, physicochemical variation, residue mobility, and thermodynamic stability) indicates that this missense variant is expected to disrupt KCNJ2 protein function with a positive predictive value of 95%. Experimental studies have shown that this missense change affects KCNJ2 function (PMID: 16571646). Algorithms developed to predict the effect of sequence changes on RNA splicing suggest that this variant may create or strengthen a splice site. This variant disrupts the p.Thr75 amino acid residue in KCNJ2. Other variant(s) that disrupt this residue have been determined to be pathogenic (PMID: 15911703, 16217063, 17341397, 17582433, 18452873, 24861851). This suggests that this residue is clinically significant, and that variants that disrupt this residue are likely to be disease-causing. For these reasons, this variant has been classified as Pathogenic.

OMIM
Classification: Pathogenic for ANDERSEN CARDIODYSRHYTHMIC PERIODIC PARALYSIS. Last evaluated: 2006-08-01. Review status: no assertion criteria provided. Collection method: literature only. Allele origin: germline. Not counted in ClinVar's aggregate classification.

Cardiovascular Biomedical Research Unit, Royal Brompton & Harefield NHS Foundation Trust
No classification provided. Condition: Familial long QT syndrome. Review status: no classification provided. Collection method: literature only. Allele origin: germline. Not counted in ClinVar's aggregate classification.
Comment: This variant has been reported in the following publications (PMID:12796536;PMID:16571646).

Literature cited by the submitters: PubMed 12796536 (cited by Labcorp Genetics (formerly Invitae), Labcorp and Cardiovascular Biomedical Research Unit, Royal Brompton & Harefield NHS Foundation Trust); PubMed 16571646 (cited by 3 submitters); PubMed 15911703 (cited by Labcorp Genetics (formerly Invitae), Labcorp); PubMed 16217063 (cited by Labcorp Genetics (formerly Invitae), Labcorp); PubMed 17341397 (cited by Labcorp Genetics (formerly Invitae), Labcorp); PubMed 17582433 (cited by Labcorp Genetics (formerly Invitae), Labcorp); PubMed 18452873 (cited by Labcorp Genetics (formerly Invitae), Labcorp); PubMed 24861851 (cited by Labcorp Genetics (formerly Invitae), Labcorp); PubMed 22581653 (cited by Cardiovascular Biomedical Research Unit, Royal Brompton & Harefield NHS Foundation Trust).